The following is an entry in ClinVar:

NM_000203.5(IDUA):c.1190-10C>A

Gene: IDUA (alpha-L-iduronidase; plus strand). Cytogenetic location: 4p16.3.
Variant type: single nucleotide variant.
Coding change: c.1190-10C>A on transcript NM_000203.5 (MANE Select); 10 bases into the intron before coding-DNA position 1190, C replaced by A.
Molecular consequence: intron variant.
Genome position (GRCh38, 1-based): chr4:1,002,722, C>A. VCF-style: chr4-1002722-C-A. GRCh37 (hg19) VCF-style: chr4-996510-C-A.
Other names: c.794-10C>A (NM_001363576.1).
Identifiers: ClinVar variation 950888 (VCV000950888.17), dbSNP rs1443642527, ClinGen allele CA1139658405.
Genomic context (GRCh38, chr4:1,002,722, plus strand): 5'-GGCCCGGCCCTGGGTCGGGGGGCGGCTGGGCAACGACCCCACGCGGCGACGGCCCCCCCC[C>A]GCCCCGCAGATGAGGAGCAGCTCTGGGCCGAAGTGTCGCAGGCCGGGACCGTCCTGGACA-3'

ClinVar aggregate classification (germline): Likely pathogenic. Review status: reviewed by expert panel (3 of 4 stars). 4 submissions from 4 submitters: Likely pathogenic (1). 3 of the submissions do not count toward it. Last evaluated 2024-12-05.

Conditions:
Mucopolysaccharidosis type 1. Also called: Mucopolysaccharidosis Type I; IDUA deficiency; MPS I. Identifiers: Orphanet 579, MedGen C0023786, MONDO:0001586.
Mucopolysaccharidosis, MPS-I-S. Also called: Scheie Syndrome; MUCOPOLYSACCHARIDOSIS TYPE IS; MPS V; MUCOPOLYSACCHARIDOSIS TYPE V. Identifiers: Orphanet 93474, MedGen C0026708, MONDO:0011760, OMIM 607016.
Hurler syndrome. Also called: Gargoylism, Hurler Syndrome; MUCOPOLYSACCHARIDOSIS TYPE IH; Severe MPS I (Hurler Syndrome). Identifiers: Orphanet 93473, MedGen C0086795, MONDO:0011758, OMIM 607014.
Mucopolysaccharidosis, MPS-I-H/S. Also called: Mucopolysaccharidosis type IH/S. Identifiers: Orphanet 93476, MedGen C0086431, MONDO:0011759, OMIM 607015.

Submissions (4):

ClinGen Lysosomal Storage Disorder Variant Curation Expert Panel
Classification: Likely pathogenic for Mucopolysaccharidosis type 1. Last evaluated: 2024-12-05. Review status: reviewed by expert panel. Criteria: ClinGen LSD ACMG Specifications IDUA V1.0.0. Collection method: curation. Allele origin: germline. Inheritance: Autosomal recessive inheritance.
Comment: The NM_000203.5:c.1190-10C>A occurs in the region of the acceptor splice site of intron 8 in IDUA. The in silico predictor SpliceAI, suggests that this variant impacts splicing (acceptor loss = 0.72, acceptor gain, 2bp downstream = 0.87) (PP3). If the acceptor splice site is lost and the predicted new acceptor splice site is used, this would result in inclusion of 8 nucleotides into the transcript, frameshift and premature termination (Fig. 6, PMID: 34833038). Four patients have been reported with the variant, all from the same small area in Vietnam but not thought to be related. All have clinical features consistent with MPS1, documented deficiency of IDUA activity in blood spots or leukocytes, and elevated GAGs in urine (PP4_Moderate). Two patients are homozygous for the variant (2 x 0.5 points) (PMID: 34833038). Two patients are compound heterozygous for the variant another variant in IDUA, c.1046A>G (p.Asp349Gly) (PMID: 34833038). The allelic data from the compound heterozygous patients will be used in the classification of p.Asp349Gly and is not included here to avoid circular logic. Total 1 point (PM3). The variant is absent in gnomAD v4.1.0. (PM2_Supporting). In summary, this variant meets the criteria to be classified as likely pathogenic for mucopolysaccharidosis type 1. IDUA-specific ACMG/AMP criteria applied, as specified by the ClinGen Lysosomal Diseases Variant Curation Expert Panel (Specifications Version 1.0.0): PM3, PP4_Moderate, PP3, PM2_Supporting. (Classification approved by the ClinGen Lysosomal Diseases Variant Curation Expert Panel on December 5, 2024)

Fulgent Genetics
Classification: Pathogenic for Hurler syndrome; Mucopolysaccharidosis, MPS-I-H/S; Mucopolysaccharidosis, MPS-I-S. Last evaluated: 2024-01-15. Review status: criteria provided, single submitter. Criteria: ACMG Guidelines, 2015. Collection method: clinical testing. Allele origin: germline. Not counted in ClinVar's aggregate classification.

Labcorp Genetics (formerly Invitae), Labcorp
Classification: Pathogenic for Mucopolysaccharidosis type 1. Last evaluated: 2023-09-08. Review status: criteria provided, single submitter. Criteria: Invitae Variant Classification Sherloc (09022015). Collection method: clinical testing. Allele origin: germline. Not counted in ClinVar's aggregate classification.
Comment: This sequence change falls in intron 8 of the IDUA gene. It does not directly change the encoded amino acid sequence of the IDUA protein. This variant is not present in population databases (gnomAD no frequency). This variant has been observed in individual(s) with clinical features of mucopolysaccharidosis type I (Invitae). In at least one individual the data is consistent with being in trans (on the opposite chromosome) from a pathogenic variant. It has also been observed to segregate with disease in related individuals. ClinVar contains an entry for this variant (Variation ID: 950888). Algorithms developed to predict the effect of sequence changes on RNA splicing suggest that this variant may disrupt the consensus splice site. For these reasons, this variant has been classified as Pathogenic.

Natera, Inc.
Classification: Pathogenic for Mucopolysaccharidosis type I. Last evaluated: 2026-06-27. Review status: no assertion criteria provided. Collection method: clinical testing. Allele origin: germline. Not counted in ClinVar's aggregate classification.
Comment: The c.1190-10C>A in IDUA is an intronic variant located outside the canonical splice sites. This variant is rare in the general population with a frequency below the threshold expected for the associated phenotype(s). This variant has been observed in one or more individuals affected with the associated recessive disease, as either homozygous or compound heterozygous with a second variant (PMID: 33517895, 34833038). Computational prediction algorithms indicate this variant is likely to affect gene or protein function. Given the available evidence, this variant is classified as Pathogenic.

Literature cited by the submitters: PubMed 33517895 (cited by Natera, Inc.); PubMed 34833038 (cited by Natera, Inc.).